The following is an entry in ClinVar:

NM_002291.3(LAMB1):c.2339C>T (p.Ser780Leu)

Gene: LAMB1 (laminin subunit beta 1; minus strand). Cytogenetic location: 7q31.1.
Variant type: single nucleotide variant.
Coding change: c.2339C>T on transcript NM_002291.3 (MANE Select); coding-DNA position 2339, C replaced by T.
Protein change: p.Ser780Leu; replaces serine 780 with leucine.
Molecular consequence: missense variant.
Genome position (GRCh38, 1-based): chr7:107,959,810, G>A on the plus strand (C>T on the coding strand, the complement: LAMB1 is on the minus strand). VCF-style: chr7-107959810-G-A. GRCh37 (hg19) VCF-style: chr7-107600255-G-A.
Other names: short protein forms S780L.
Identifiers: ClinVar variation 1441426 (VCV001441426.8), dbSNP rs762419153, ClinGen allele CA4435669.
Genomic context (GRCh38, chr7:107,959,810, plus strand): 5'-CCAACCACGTTGGGCCGGCACTGGCACTGGCCTCCGTTGGGATCACACACGGAACTTAAC[G>A]AACCCTGAGGGTCGCATTCACAAGCTGTGGGTAAAGAGAGGCCAGAACCCATGACACGGA-3'
Protein context (NP_002282.2, residues 770-790): GLACECDPQG[Ser780Leu]LSSVCDPNGG

ClinVar aggregate classification (germline): Uncertain significance (1 of 4 stars; one submission).

Allele frequency attached by ClinVar (database versions not stated): gnomAD 0.00001; TOPMed 0.00002.
gnomAD v4.1: 18 of 1,613,428 alleles (0.0011%); highest among the groups gnomAD compares: East Asian, 0.0045%; no homozygotes.

Submission:

Labcorp Genetics (formerly Invitae), Labcorp
Classification: Uncertain significance. Last evaluated: 2022-06-12. Review status: criteria provided, single submitter. Criteria: Invitae Variant Classification Sherloc (09022015). Collection method: clinical testing. Allele origin: germline.
Comment: In summary, the available evidence is currently insufficient to determine the role of this variant in disease. Therefore, it has been classified as a Variant of Uncertain Significance. Algorithms developed to predict the effect of missense changes on protein structure and function (SIFT, PolyPhen-2, Align-GVGD) all suggest that this variant is likely to be disruptive. This variant has not been reported in the literature in individuals affected with LAMB1-related conditions. This variant is present in population databases (rs762419153, gnomAD 0.006%). This sequence change replaces serine, which is neutral and polar, with leucine, which is neutral and non-polar, at codon 780 of the LAMB1 protein (p.Ser780Leu).